The following is an entry in ClinVar:

ClinVar aggregate classification (germline): Uncertain significance (1 of 4 stars; one submission).

Conditions:
Cardiovascular phenotype. Identifiers: MedGen CN230736.

Submission:

Ambry Genetics
Classification: Uncertain significance for Cardiovascular phenotype. Last evaluated: 2021-10-13. Review status: criteria provided, single submitter. Criteria: Ambry Variant Classification Scheme 2023. Collection method: clinical testing. Allele origin: germline.
Comment: The p.I1104T variant (also known as c.3311T>C), located in coding exon 23 of the DSP gene, results from a T to C substitution at nucleotide position 3311. The isoleucine at codon 1104 is replaced by threonine, an amino acid with similar properties. This amino acid position is conserved. In addition, this alteration is predicted to be deleterious by in silico analysis. Since supporting evidence is limited at this time, the clinical significance of this alteration remains unclear.

NM_004415.4(DSP):c.3311T>C (p.Ile1104Thr)

Gene: DSP (desmoplakin; plus strand). Cytogenetic location: 6p24.3.
Variant type: single nucleotide variant.
Coding change: c.3311T>C on transcript NM_004415.4 (MANE Select); coding-DNA position 3311, T replaced by C.
Protein change: p.Ile1104Thr; replaces isoleucine 1104 with threonine.
Molecular consequence: missense variant.
Genome position (GRCh38, 1-based): chr6:7,579,501, T>C. VCF-style: chr6-7579501-T-C. GRCh37 (hg19) VCF-style: chr6-7579734-T-C.
Other names: c.3311T>C, p.Ile1104Thr (NM_001008844.3, NM_001319034.2); short protein forms I1104T.
Identifiers: ClinVar variation 1730099 (VCV001730099.2), dbSNP rs2533923016, ClinGen allele CA362683634.
Genomic context (GRCh38, chr6:7,579,501, plus strand): 5'-GACAGGCTGAGCTGGATGGGAAGTCGGCTAAGCAAAATCTAGACAAGTGCTACGGCCAAA[T>C]AAAAGAACTCAATGAGAAGATCACCCGACTGACTTATGAGATTGAAGATGAAAAGAGAAG-3'
Protein context (NP_004406.2, residues 1094-1114): KQNLDKCYGQ[Ile1104Thr]KELNEKITRL